The following is an entry in ClinVar:

NM_000726.5(CACNB4):c.*2885T>C

Gene: CACNB4 (calcium voltage-gated channel auxiliary subunit beta 4; minus strand). Cytogenetic location: 2q23.3.
Variant type: single nucleotide variant.
Coding change: c.*2885T>C on transcript NM_000726.5 (MANE Select); 2885 bases downstream of the stop codon, T replaced by C.
Molecular consequence: 3 prime UTR variant.
Genome position (GRCh38, 1-based): chr2:151,836,234, A>G on the plus strand (T>C on the coding strand, the complement: CACNB4 is on the minus strand). VCF-style: chr2-151836234-A-G. GRCh37 (hg19) VCF-style: chr2-152692748-A-G.
Other names: c.*2885T>C (NM_001005746.4, NM_001005747.4, NM_001145798.3 and 7 more transcripts).
Identifiers: ClinVar variation 331581 (VCV000331581.6), dbSNP rs116457978, ClinGen allele CA10612322.

ClinVar aggregate classification (germline): Benign (1 of 4 stars; one submission).

Conditions:
Episodic ataxia type 5. Identifiers: Orphanet 211067, MedGen C1866039, MONDO:0013464, OMIM 613855.

Allele frequency attached by ClinVar (database versions not stated): 1000 Genomes Project 0.01518; gnomAD 0.01588 and 0.01717; 1000 Genomes Project 30x 0.01686; TOPMed 0.01845.

Submission:

Illumina Laboratory Services, Illumina
Classification: Benign for Episodic ataxia type 5. Last evaluated: 2018-01-12. Review status: criteria provided, single submitter. Criteria: ICSL Variant Classification Criteria 13 December 2019. Collection method: clinical testing. Allele origin: germline.
Comment: This variant was observed in the ICSL laboratory as part of a predisposition screen in an ostensibly healthy population. It had not been previously curated by ICSL or reported in the Human Gene Mutation Database (HGMD: prior to June 1st, 2018), and was therefore a candidate for classification through an automated scoring system. Utilizing variant allele frequency, disease prevalence and penetrance estimates, and inheritance mode, an automated score was calculated to assess if this variant is too frequent to cause the disease. Based on the score and internal cut-off values, a variant classified as benign is not then subjected to further curation. The score for this variant resulted in a classification of benign for this disease.